The following is an entry in ClinVar:

NM_000124.4(ERCC6):c.1786A>G (p.Ile596Val)

Gene: ERCC6 (ERCC excision repair 6, chromatin remodeling factor; minus strand). Cytogenetic location: 10q11.23.
Variant type: single nucleotide variant.
Coding change: c.1786A>G on transcript NM_000124.4 (MANE Select); coding-DNA position 1786, A replaced by G.
Protein change: p.Ile596Val; replaces isoleucine 596 with valine.
Molecular consequence: missense variant.
Genome position (GRCh38, 1-based): chr10:49,493,152, T>C on the plus strand (A>G on the coding strand, the complement: ERCC6 is on the minus strand). VCF-style: chr10-49493152-T-C. GRCh37 (hg19) VCF-style: chr10-50701198-T-C.
Other names: c.1786A>G, p.Ile596Val (NM_001346440.2); short protein forms I596V.
Identifiers: ClinVar variation 1500461 (VCV001500461.5), dbSNP rs1056671646, ClinGen allele CA206604311.

ClinVar aggregate classification (germline): Uncertain significance (1 of 4 stars; one submission).

Allele frequency attached by ClinVar (database versions not stated): TOPMed 0.00001; gnomAD 0.00002; gnomAD exomes 0.00002.

Submission:

Labcorp Genetics (formerly Invitae), Labcorp
Classification: Uncertain significance. Last evaluated: 2021-10-14. Review status: criteria provided, single submitter. Criteria: Invitae Variant Classification Sherloc (09022015). Collection method: clinical testing. Allele origin: germline.
Comment: This sequence change replaces isoleucine with valine at codon 596 of the ERCC6 protein (p.Ile596Val). The isoleucine residue is moderately conserved and there is a small physicochemical difference between isoleucine and valine. This variant is not present in population databases (ExAC no frequency). This variant has not been reported in the literature in individuals affected with ERCC6-related conditions. Algorithms developed to predict the effect of missense changes on protein structure and function output the following: SIFT: "Tolerated"; PolyPhen-2: "Benign"; Align-GVGD: "Class C0". The valine amino acid residue is found in multiple mammalian species, which suggests that this missense change does not adversely affect protein function. In summary, the available evidence is currently insufficient to determine the role of this variant in disease. Therefore, it has been classified as a Variant of Uncertain Significance.